The following is an entry in ClinVar:

NM_003482.4(KMT2D):c.2981A>G (p.Glu994Gly)

Gene: KMT2D (lysine methyltransferase 2D; minus strand). Cytogenetic location: 12q13.12.
Variant type: single nucleotide variant.
Coding change: c.2981A>G on transcript NM_003482.4 (MANE Select); coding-DNA position 2981, A replaced by G.
Protein change: p.Glu994Gly; replaces glutamic acid 994 with glycine.
Molecular consequence: missense variant.
Genome position (GRCh38, 1-based): chr12:49,050,607, T>C on the plus strand (A>G on the coding strand, the complement: KMT2D is on the minus strand). VCF-style: chr12-49050607-T-C. GRCh37 (hg19) VCF-style: chr12-49444390-T-C.
Other names: short protein forms E994G.
Identifiers: ClinVar variation 2917845 (VCV002917845.3), dbSNP rs1431224795, ClinGen allele CA384660198.

ClinVar aggregate classification (germline): Uncertain significance (1 of 4 stars; one submission).

Conditions:
Kabuki syndrome. Also called: Kabuki make-up syndrome; NIIKAWA-KUROKI SYNDROME. Identifiers: Orphanet 2322, MedGen C0796004, MONDO:0016512.

Allele frequency attached by ClinVar (database versions not stated): TOPMed below 0.00001.
gnomAD v4.1: 5 of 1,609,250 alleles (0.00031%); highest among the groups gnomAD compares: Non-Finnish European, 0.00042%; no homozygotes.

Submission:

Labcorp Genetics (formerly Invitae), Labcorp
Classification: Uncertain significance for Kabuki syndrome. Last evaluated: 2023-08-10. Review status: criteria provided, single submitter. Criteria: Invitae Variant Classification Sherloc (09022015). Collection method: clinical testing. Allele origin: germline.
Comment: This sequence change replaces glutamic acid, which is acidic and polar, with glycine, which is neutral and non-polar, at codon 994 of the KMT2D protein (p.Glu994Gly). This variant is not present in population databases (gnomAD no frequency). This variant has not been reported in the literature in individuals affected with KMT2D-related conditions. Advanced modeling of protein sequence and biophysical properties (such as structural, functional, and spatial information, amino acid conservation, physicochemical variation, residue mobility, and thermodynamic stability) performed at Invitae indicates that this missense variant is not expected to disrupt KMT2D protein function. In summary, the available evidence is currently insufficient to determine the role of this variant in disease. Therefore, it has been classified as a Variant of Uncertain Significance.